The following is an entry in ClinVar:

ClinVar aggregate classification (germline): Uncertain significance (1 of 4 stars; one submission).

Conditions:
Perlman syndrome (PRLMNS). Identifiers: Orphanet 2849, MedGen C0796113, MONDO:0009965, OMIM 267000.

Submission:

Labcorp Genetics (formerly Invitae), Labcorp
Classification: Uncertain significance for Perlman syndrome. Last evaluated: 2020-10-06. Review status: criteria provided, single submitter. Criteria: Invitae Variant Classification Sherloc (09022015). Collection method: clinical testing. Allele origin: germline.
Comment: This sequence change replaces glycine with serine at codon 811 of the DIS3L2 protein (p.Gly811Ser). The glycine residue is moderately conserved and there is a small physicochemical difference between glycine and serine. This variant is not present in population databases (ExAC no frequency). This variant has not been reported in the literature in individuals with DIS3L2-related conditions. Algorithms developed to predict the effect of missense changes on protein structure and function (SIFT, PolyPhen-2, Align-GVGD) all suggest that this variant is likely to be tolerated, but these predictions have not been confirmed by published functional studies and their clinical significance is uncertain. In summary, the available evidence is currently insufficient to determine the role of this variant in disease. Therefore, it has been classified as a Variant of Uncertain Significance.

NM_152383.5(DIS3L2):c.2431G>A (p.Gly811Ser)

Gene: DIS3L2 (DIS3 like 3'-5' exoribonuclease 2; plus strand). Cytogenetic location: 2q37.1.
Variant type: single nucleotide variant.
Coding change: c.2431G>A on transcript NM_152383.5 (MANE Select); coding-DNA position 2431, G replaced by A.
Protein change: p.Gly811Ser; replaces glycine 811 with serine.
Molecular consequence: missense variant. On other transcripts: non-coding transcript variant (2), intron variant (1).
Genome position (GRCh38, 1-based): chr2:232,335,809, G>A. VCF-style: chr2-232335809-G-A. GRCh37 (hg19) VCF-style: chr2-233200519-G-A.
Other names: c.1582-7536G>A (NM_001257281.2); short protein forms G811S.
Identifiers: ClinVar variation 1007567 (VCV001007567.8), dbSNP rs1695924979, ClinGen allele CA350978212.